The following is an entry in ClinVar:

ClinVar aggregate classification (germline): Uncertain significance (1 of 4 stars; one submission).

Allele frequency attached by ClinVar (database versions not stated): gnomAD exomes below 0.00001.

Submission:

Labcorp Genetics (formerly Invitae), Labcorp
Classification: Uncertain significance. Last evaluated: 2023-05-28. Review status: criteria provided, single submitter. Criteria: Invitae Variant Classification Sherloc (09022015). Collection method: clinical testing. Allele origin: germline.
Comment: This sequence change replaces glutamic acid, which is acidic and polar, with glutamine, which is neutral and polar, at codon 214 of the ZNF408 protein (p.Glu214Gln). This variant is present in population databases (no rsID available, gnomAD 0.003%). In summary, the available evidence is currently insufficient to determine the role of this variant in disease. Therefore, it has been classified as a Variant of Uncertain Significance. An algorithm developed to predict the effect of missense changes on protein structure and function (PolyPhen-2) suggests that this variant is likely to be disruptive. This variant has not been reported in the literature in individuals affected with ZNF408-related conditions.

NM_024741.3(ZNF408):c.640G>C (p.Glu214Gln)

Gene: ZNF408 (zinc finger protein 408; plus strand). Cytogenetic location: 11p11.2.
Variant type: single nucleotide variant.
Coding change: c.640G>C on transcript NM_024741.3 (MANE Select); coding-DNA position 640, G replaced by C.
Protein change: p.Glu214Gln; replaces glutamic acid 214 with glutamine.
Molecular consequence: missense variant.
Genome position (GRCh38, 1-based): chr11:46,703,231, G>C. VCF-style: chr11-46703231-G-C. GRCh37 (hg19) VCF-style: chr11-46724781-G-C.
Other names: c.616G>C, p.Glu206Gln (NM_001184751.2); short protein forms E206Q, E214Q.
Identifiers: ClinVar variation 2865995 (VCV002865995.3), dbSNP rs1200172621, ClinGen allele CA380252787.